The following is an entry in ClinVar:

NM_201384.3(PLEC):c.7606_7620del (p.Arg2536_Gln2540del)

Gene: PLEC (plectin; minus strand). Cytogenetic location: 8q24.3.
Variant type: Deletion.
Coding change: c.7606_7620del on transcript NM_201384.3 (MANE Select); coding-DNA positions 7606 to 7620, 15 bases deleted (CGGCAGCAGCAGCAG).
Protein change: p.Arg2536_Gln2540del.
Molecular consequence: inframe deletion.
Genome position (GRCh38, 1-based): chr8:143,922,201-143,922,215, CTGCTGCTGCTGCCG deleted on the plus strand (CGGCAGCAGCAGCAG on the coding strand, the reverse complement: PLEC is on the minus strand); deleting any 15 consecutive bases within chr8:143,922,201-143,922,223 gives the same sequence; the c. name uses the placement nearest the transcript's 3' end. VCF-style (leftmost placement, unchanged base first): chr8-143922200-TCTGCTGCTGCTGCCG-T. GRCh37 (hg19) VCF-style: chr8-144996368-TCTGCTGCTGCTGCCG-T.
Other names: c.7687_7701del, p.Arg2563_Gln2567del (NM_000445.5); c.7564_7578del, p.Arg2522_Gln2526del (NM_201378.4); c.7540_7554del, p.Arg2514_Gln2518del (NM_201379.3); c.8017_8031del, p.Arg2673_Gln2677del (NM_201380.4); c.7510_7524del, p.Arg2504_Gln2508del (NM_201381.3); c.7606_7620del, p.Arg2536_Gln2540del (NM_201382.4); c.7618_7632del, p.Arg2540_Gln2544del (NM_201383.3).
Identifiers: ClinVar variation 451933 (VCV000451933.2), dbSNP rs1554688820, ClinGen allele CA658657832.

ClinVar aggregate classification (germline): Uncertain significance (1 of 4 stars; one submission).

Submission:

GeneDx
Classification: Uncertain significance. Last evaluated: 2017-09-08. Review status: criteria provided, single submitter. Criteria: GeneDx Variant Classification (06012015). Collection method: clinical testing. Allele origin: germline. Affected: yes.
Comment: The c.7687_7701del15 variant has not been published as a pathogenic variant, nor has it been reported as a benign variant to our knowledge. This variant is not observed in large population cohorts (Lek et al., 2016). The c.7687_7701del15 variant results in an in-frame deletion of 5 amino acids, denoted p.Arg2563_Gln2567del. In silico analysis is inconsistent in its predictions as to whether or not the variant is damaging to the protein structure/function.